The following is an entry in ClinVar:

NM_001267550.2(TTN):c.40501C>G (p.Arg13501Gly)

Gene: TTN (titin; minus strand). Cytogenetic location: 2q31.2.
Variant type: single nucleotide variant.
Coding change: c.40501C>G on transcript NM_001267550.2 (MANE Select); coding-DNA position 40501, C replaced by G.
Protein change: p.Arg13501Gly; replaces arginine 13501 with glycine.
Molecular consequence: missense variant.
Genome position (GRCh38, 1-based): chr2:178,642,294, G>C on the plus strand (C>G on the coding strand, the complement: TTN is on the minus strand). VCF-style: chr2-178642294-G-C. GRCh37 (hg19) VCF-style: chr2-179507021-G-C.
Other names: c.35578C>G, p.Arg11860Gly (NM_001256850.1); c.13306C>G, p.Arg4436Gly (NM_003319.4); c.32797C>G, p.Arg10933Gly (NM_133378.4); c.13681C>G, p.Arg4561Gly (NM_133432.3); c.13882C>G, p.Arg4628Gly (NM_133437.4); short protein forms R4436G, R13501G, R4561G, R10933G, R11860G, R4628G.
Identifiers: ClinVar variation 4994759 (VCV004994759.1).

ClinVar aggregate classification (germline): Uncertain significance (1 of 4 stars; one submission).

Conditions:
TTN-related disorder. Also called: TTN-related condition; TTN-related disease; TTN-related disorders.

Submission:

PreventionGenetics, part of Exact Sciences
Classification: Uncertain significance for TTN-related condition. Last evaluated: 2026-06-12. Review status: criteria provided, single submitter. Criteria: ACMG Guidelines, 2015. Collection method: clinical testing. Allele origin: germline.
Comment: The TTN c.40501C>G variant is predicted to result in the amino acid substitution p.Arg13501Gly. To our knowledge, this variant has not been reported in the literature or in a large population database (gnomAD), indicating this variant is rare. At this time, the clinical significance of this variant is uncertain due to the absence of conclusive functional and genetic evidence.